The following is an entry in ClinVar:

ClinVar aggregate classification (germline): Uncertain significance (0 of 4 stars; one submission).

Conditions:
SHQ1-related disorder. Also called: SHQ1-related condition; SHQ1-Related Disorders.

Submission:

PreventionGenetics, part of Exact Sciences
Classification: Uncertain significance for SHQ1-related condition. Last evaluated: 2024-05-13. Review status: no assertion criteria provided. Collection method: clinical testing. Allele origin: germline.
Comment: The SHQ1 c.1708_1709dupGA variant is predicted to result in a frameshift and premature protein termination (p.Asp570Glufs*12). To our knowledge, this variant has not been reported in the literature. This variant is reported in 0.016% of alleles in individuals of European (Non-Finnish) descent in gnomAD. At this time, the clinical significance of this variant is uncertain due to the absence of conclusive functional and genetic evidence.

NM_018130.3(SHQ1):c.1708_1709dup (p.Asp570fs)

Gene: SHQ1 (SHQ1, H/ACA ribonucleoprotein assembly factor; minus strand). Cytogenetic location: 3p13.
Variant type: Microsatellite.
Coding change: c.1708_1709dup on transcript NM_018130.3 (MANE Select); coding-DNA positions 1708 to 1709, 2 bases duplicated (GA; older notation c.1708_1709dupGA).
Protein change: p.Asp570fs; shifts the reading frame from aspartic acid 570.
Molecular consequence: frameshift variant.
Genome position (GRCh38, 1-based): chr3:72,750,309-72,750,310, TC duplicated on the plus strand (GA on the coding strand, the reverse complement: SHQ1 is on the minus strand); duplicating any 2 consecutive bases within chr3:72,750,309-72,750,316 gives the same sequence; the c. name uses the placement nearest the transcript's 3' end. VCF-style (leftmost placement, unchanged base first): chr3-72750308-G-GTC. GRCh37 (hg19) VCF-style: chr3-72799459-G-GTC.
Other names: short protein forms D570fs.
Identifiers: ClinVar variation 3040458 (VCV003040458.2), dbSNP rs774098029, ClinGen allele CA2492271.